The following is an entry in ClinVar:

NM_003937.3(KYNU):c.195T>C (p.Asp65=)

Gene: KYNU (kynureninase; plus strand). Cytogenetic location: 2q22.2.
Variant type: single nucleotide variant.
Coding change: c.195T>C on transcript NM_003937.3 (MANE Select); coding-DNA position 195, T replaced by C.
Protein change: p.Asp65=; no amino-acid change (aspartic acid 65 retained).
Molecular consequence: synonymous variant.
Genome position (GRCh38, 1-based): chr2:142,918,634, T>C. VCF-style: chr2-142918634-T-C. GRCh37 (hg19) VCF-style: chr2-143676203-T-C.
Other names: c.195T>C, p.Asp65= (NM_001032998.2, NM_001199241.2).
Identifiers: ClinVar variation 758737 (VCV000758737.4), dbSNP rs747853097, ClinGen allele CA1896594.

ClinVar aggregate classification (germline): Likely benign. Review status: criteria provided, multiple submitters, no conflicts (2 of 4 stars). 2 submissions from 2 submitters: Likely benign (2). Last evaluated 2026-04-24.

Conditions:
KYNU-related disorder. Also called: KYNU-related condition; KYNU-related disorders.

Allele frequency attached by ClinVar (database versions not stated): ExAC 0.00001; gnomAD exomes 0.00001 and 0.00002; TOPMed 0.00002.
gnomAD v4.1: 9 of 1,606,440 alleles (0.00056%); highest among the groups gnomAD compares: Admixed American, 0.01%; no homozygotes.

Submissions (2):

PreventionGenetics, part of Exact Sciences
Classification: Likely benign for KYNU-related condition. Last evaluated: 2026-04-24. Review status: criteria provided, single submitter. Criteria: ACMG Guidelines, 2015. Collection method: clinical testing. Allele origin: germline.
Comment: This variant is classified as likely benign based on ACMG/AMP sequence variant interpretation guidelines (Richards et al. 2015 PMID: 25741868, with internal and published modifications).

Labcorp Genetics (formerly Invitae), Labcorp
Classification: Likely benign. Last evaluated: 2018-07-02. Review status: criteria provided, single submitter. Criteria: Invitae Variant Classification Sherloc (09022015). Collection method: clinical testing. Allele origin: germline.